The following is an entry in ClinVar:

ClinVar aggregate classification (germline): Uncertain significance. Review status: criteria provided, multiple submitters, no conflicts (2 of 4 stars). 3 submissions from 3 submitters: Uncertain significance (3). Last evaluated 2025-08-30.

Conditions:
Fanconi anemia (FA). Also called: Fanconi's anemia. Identifiers: Orphanet 84, MedGen C0015625, MeSH D005199, MONDO:0019391.
Inborn genetic diseases. Identifiers: MedGen C0950123, MeSH D030342.
Fanconi anemia complementation group A (FANCA). Also called: FANCA-Related Fanconi Anemia; Fanconi anemia, group A. Identifiers: Orphanet 84, MedGen C3469521, MONDO:0009215, OMIM 227650.

gnomAD v4.1: 5 of 1,613,324 alleles (0.00031%); highest among the groups gnomAD compares: Non-Finnish European, 0.00042%; no homozygotes.

Submissions (3):

Ambry Genetics
Classification: Uncertain significance for Inborn genetic diseases. Last evaluated: 2025-08-30. Review status: criteria provided, single submitter. Criteria: Ambry Variant Classification Scheme 2023. Collection method: clinical testing. Allele origin: germline.

Labcorp Genetics (formerly Invitae), Labcorp
Classification: Uncertain significance for Fanconi anemia. Last evaluated: 2025-01-14. Review status: criteria provided, single submitter. Criteria: Invitae Variant Classification Sherloc (09022015). Collection method: clinical testing. Allele origin: germline.
Comment: This sequence change replaces proline, which is neutral and non-polar, with threonine, which is neutral and polar, at codon 332 of the FANCA protein (p.Pro332Thr). This variant is present in population databases (no rsID available, gnomAD 0.0009%). This variant has not been reported in the literature in individuals affected with FANCA-related conditions. ClinVar contains an entry for this variant (Variation ID: 1419342). Invitae Evidence Modeling of protein sequence and biophysical properties (such as structural, functional, and spatial information, amino acid conservation, physicochemical variation, residue mobility, and thermodynamic stability) has been performed for this missense variant. However, the output from this modeling did not meet the statistical confidence thresholds required to predict the impact of this variant on FANCA protein function. In summary, the available evidence is currently insufficient to determine the role of this variant in disease. Therefore, it has been classified as a Variant of Uncertain Significance.

Fulgent Genetics
Classification: Uncertain significance for Fanconi anemia complementation group A. Last evaluated: 2024-03-25. Review status: criteria provided, single submitter. Criteria: ACMG Guidelines, 2015. Collection method: clinical testing. Allele origin: germline.

NM_000135.4(FANCA):c.994C>A (p.Pro332Thr)

Gene: FANCA (FA complementation group A; minus strand). Cytogenetic location: 16q24.3.
Variant type: single nucleotide variant.
Coding change: c.994C>A on transcript NM_000135.4 (MANE Select); coding-DNA position 994, C replaced by A.
Protein change: p.Pro332Thr; replaces proline 332 with threonine.
Molecular consequence: missense variant.
Genome position (GRCh38, 1-based): chr16:89,795,918, G>T on the plus strand (C>A on the coding strand, the complement: FANCA is on the minus strand). VCF-style: chr16-89795918-G-T. GRCh37 (hg19) VCF-style: chr16-89862326-G-T.
Other names: c.994C>A, p.Pro332Thr (NM_001286167.3); c.994C>A (NM_000135.2); short protein forms P332T.
Identifiers: ClinVar variation 1419342 (VCV001419342.11), dbSNP rs1056497675, ClinGen allele CA286597029.